The following is an entry in ClinVar:

ClinVar aggregate classification (germline): Uncertain significance (1 of 4 stars; one submission).

Allele frequency attached by ClinVar (database versions not stated): gnomAD exomes below 0.00001.
gnomAD v4.1: 2 of 1,612,644 alleles (0.00012%); highest among the groups gnomAD compares: Non-Finnish European, 0.00017%; no homozygotes.

Submission:

Labcorp Genetics (formerly Invitae), Labcorp
Classification: Uncertain significance. Last evaluated: 2022-01-20. Review status: criteria provided, single submitter. Criteria: Invitae Variant Classification Sherloc (09022015). Collection method: clinical testing. Allele origin: germline.
Comment: This sequence change replaces histidine, which is basic and polar, with tyrosine, which is neutral and polar, at codon 20 of the TBCE protein (p.His20Tyr). This variant is not present in population databases (gnomAD no frequency). This variant has not been reported in the literature in individuals affected with TBCE-related conditions. Algorithms developed to predict the effect of missense changes on protein structure and function output the following: SIFT: "Tolerated"; PolyPhen-2: "Benign"; Align-GVGD: "Class C0". The tyrosine amino acid residue is found in multiple mammalian species, which suggests that this missense change does not adversely affect protein function. In summary, the available evidence is currently insufficient to determine the role of this variant in disease. Therefore, it has been classified as a Variant of Uncertain Significance.

NM_003193.5(TBCE):c.58C>T (p.His20Tyr)

Gene: TBCE (tubulin folding cofactor E; plus strand). Cytogenetic location: 1q42.3.
Variant type: single nucleotide variant.
Coding change: c.58C>T on transcript NM_003193.5 (MANE Select); coding-DNA position 58, C replaced by T.
Protein change: p.His20Tyr; replaces histidine 20 with tyrosine.
Molecular consequence: missense variant. On other transcripts: 5 prime UTR variant (1).
Genome position (GRCh38, 1-based): chr1:235,380,107, C>T. VCF-style: chr1-235380107-C-T. GRCh37 (hg19) VCF-style: chr1-235543422-C-T.
Other names: c.58C>T, p.His20Tyr (NM_001079515.3, NM_001287801.2); c.-253C>T (NM_001287802.2); short protein forms H20Y.
Identifiers: ClinVar variation 2088357 (VCV002088357.1), dbSNP rs2528380688, ClinGen allele CA344979003.